The following is an entry in ClinVar:

ClinVar aggregate classification (germline): Benign/Likely benign. Review status: criteria provided, multiple submitters, no conflicts (2 of 4 stars). 9 submissions from 8 submitters: Benign (7); Likely benign (2). Last evaluated 2026-02-01.

Conditions:
RASopathy. Also called: Noonan spectrum disorder; rasopathies. Identifiers: Orphanet 536391, MedGen C5555857, MONDO:0021060.
Noonan syndrome 5 (NS5). Also called: RAF1-Related Noonan Syndrome. Identifiers: Orphanet 648, MedGen C1969057, MONDO:0012690, OMIM 611553. Disease mechanism: gain of function.
LEOPARD syndrome 2 (LPRD2). Also called: RAF1-Related LEOPARD Syndrome. Identifiers: Orphanet 500, MedGen C1969056, MONDO:0012691, OMIM 611554.

Allele frequency attached by ClinVar (database versions not stated): gnomAD 0.00032 and 0.00057; TOPMed 0.00083; gnomAD exomes 0.00108; ExAC 0.00123; 1000 Genomes Project 30x 0.00219; 1000 Genomes Project 0.00240.
gnomAD v4.1: 910 of 1,541,572 alleles (0.059%); highest among the groups gnomAD compares: East Asian, 1.7%; 10 homozygotes.

Submissions (9):

Labcorp Genetics (formerly Invitae), Labcorp
Classification: Benign for RASopathy. Last evaluated: 2026-02-01. Review status: criteria provided, single submitter. Criteria: Invitae Variant Classification Sherloc (09022015). Collection method: clinical testing. Allele origin: germline.

Blueprint Genetics
Classification: Benign. Last evaluated: 2024-11-08. Review status: criteria provided, single submitter. Criteria: ACMG Guidelines, 2015. Collection method: clinical testing. Allele origin: germline.

ARUP Laboratories, Molecular Genetics and Genomics, ARUP Laboratories
Classification: Benign. Last evaluated: 2023-09-20. Review status: criteria provided, single submitter. Criteria: ARUP Molecular Germline Variant Investigation Process 2024. Collection method: clinical testing. Allele origin: germline.

Women's Health and Genetics/Laboratory Corporation of America, LabCorp
Classification: Benign. Last evaluated: 2020-10-01. Review status: criteria provided, single submitter. Criteria: LabCorp Variant Classification Summary - May 2015. Collection method: clinical testing. Allele origin: germline.
Comment: Variant summary: RAF1 c.321-14T>A alters a non-conserved nucleotide located close to a canonical splice site and therefore could affect mRNA splicing, leading to a significantly altered protein sequence. 3/4 computational tools predict no significant impact on normal splicing. However, these predictions have yet to be confirmed by functional studies. The variant allele was found at a frequency of 0.001 in 276986 control chromosomes, predominantly at a frequency of 0.015 within the East Asian subpopulation in the gnomAD database, including 1 homozygote. The observed variant frequency within East Asian control individuals in the gnomAD database is approximately 600 fold of the estimated maximal expected allele frequency for a pathogenic variant in RAF1 causing Noonan Syndrome phenotype (2.5e-05), strongly suggesting that the variant is a benign polymorphism found primarily in populations of East Asian origin. To our knowledge, no occurrence of c.321-14T>A in individuals affected with Noonan Syndrome and no experimental evidence demonstrating its impact on protein function have been reported. Four ClinVar submitters (evaluation after 2014) cite the variant as benign (3x) and likely benign (1x). Based on the evidence outlined above, the variant was classified as benign.

Illumina Laboratory Services, Illumina
Classification: Benign for LEOPARD syndrome 2. Last evaluated: 2018-01-13. Review status: criteria provided, single submitter. Criteria: ICSL Variant Classification Criteria 13 December 2019. Collection method: clinical testing. Allele origin: germline.
Comment: This variant was observed in the ICSL laboratory as part of a predisposition screen in an ostensibly healthy population. It had not been previously curated by ICSL or reported in the Human Gene Mutation Database (HGMD: prior to June 1st, 2018), and was therefore a candidate for classification through an automated scoring system. Utilizing variant allele frequency, disease prevalence and penetrance estimates, and inheritance mode, an automated score was calculated to assess if this variant is too frequent to cause the disease. Based on the score and internal cut-off values, a variant classified as benign is not then subjected to further curation. The score for this variant resulted in a classification of benign for this disease.

Illumina Laboratory Services, Illumina
Classification: Likely benign for Noonan syndrome 5. Last evaluated: 2018-01-13. Review status: criteria provided, single submitter. Criteria: ICSL Variant Classification Criteria 13 December 2019. Collection method: clinical testing. Allele origin: germline.
Comment: This variant was observed in the ICSL laboratory as part of a predisposition screen in an ostensibly healthy population. It had not been previously curated by ICSL or reported in the Human Gene Mutation Database (HGMD: prior to June 1st, 2018), and was therefore a candidate for classification through an automated scoring system. Utilizing variant allele frequency, disease prevalence and penetrance estimates, and inheritance mode, an automated score was calculated to assess if this variant is too frequent to cause the disease. Based on the score and internal cut-off values, a variant classified as likely benign is not then subjected to further curation. The score for this variant resulted in a classification of likely benign for this disease.

GeneDx
Classification: Benign. Last evaluated: 2017-06-26. Review status: criteria provided, single submitter. Criteria: GeneDx Variant Classification (06012015). Collection method: clinical testing. Allele origin: germline. Affected: yes.
Comment: This variant is considered likely benign or benign based on one or more of the following criteria: it is a conservative change, it occurs at a poorly conserved position in the protein, it is predicted to be benign by multiple in silico algorithms, and/or has population frequency not consistent with disease.

Laboratory for Molecular Medicine, Mass General Brigham Personalized Medicine
Classification: Benign. Last evaluated: 2015-03-12. Review status: criteria provided, single submitter. Criteria: LMM Criteria. Collection method: clinical testing. Allele origin: germline. Observed: 5 variant alleles.
Comment: c.321-14T>A in intron 3 of RAF1: This variant is not expected to have clinical significance because it is not located within the splice consensus sequence. It has been identified in 1.7% (129/7460) of East Asian chromosomes by the Exome Ag gregation Consortium (ExAC; dbSNP rs3730270).

Breakthrough Genomics
Classification: Likely benign. Review status: criteria provided, single submitter. Criteria: ACMG Guidelines, 2015. Collection method: not provided. Allele origin: germline. Inheritance: Autosomal dominant inheritance. Affected: yes.

NM_002880.4(RAF1):c.321-14T>A

Gene: RAF1 (Raf-1 proto-oncogene, serine/threonine kinase; minus strand). Cytogenetic location: 3p25.2.
Variant type: single nucleotide variant.
Coding change: c.321-14T>A on transcript NM_002880.4 (MANE Select); 14 bases into the intron before coding-DNA position 321, T replaced by A.
Molecular consequence: intron variant.
Genome position (GRCh38, 1-based): chr3:12,609,349, A>T on the plus strand (T>A on the coding strand, the complement: RAF1 is on the minus strand). VCF-style: chr3-12609349-A-T. GRCh37 (hg19) VCF-style: chr3-12650848-A-T.
Other names: c.78-14T>A (NM_001354695.3, NM_001354692.3, NM_001354694.3 and 1 more transcripts); c.321-14T>A (NM_001354693.3, NM_001354689.3, NM_001354690.3).
Identifiers: ClinVar variation 178110 (VCV000178110.19), dbSNP rs3730270, ClinGen allele CA181425.
Genomic context (GRCh38, chr3:12,609,349, plus strand): 5'-CAATCAAAGACGCAGCATCAGTATTCCAATCTAAGCGTGCTTTTTTACTAGAAAGGATTT[A>T]AAAAAAACATGAAATGTTTAAACAAGATCAAAGTTCAATAGAAATAACAACAGCTACCAT-3'